The following is an entry in ClinVar:

ClinVar aggregate classification (germline): Uncertain significance (1 of 4 stars; one submission).

Allele frequency attached by ClinVar (database versions not stated): gnomAD exomes below 0.00001; TOPMed 0.00001.
gnomAD v4.1: 2 of 1,613,820 alleles (0.00012%); highest among the groups gnomAD compares: Admixed American, 0.0033%; no homozygotes.

Submission:

Ambry Genetics
Classification: Uncertain significance. Last evaluated: 2022-09-03. Review status: criteria provided, single submitter. Criteria: Ambry Variant Classification Scheme 2023. Collection method: clinical testing. Allele origin: germline.
Comment: The p.K2169N variant (also known as c.6507A>T), located in coding exon 12 of the ALPK2 gene, results from an A to T substitution at nucleotide position 6507. The lysine at codon 2169 is replaced by asparagine, an amino acid with similar properties. This amino acid position is conserved. In addition, this alteration is predicted to be tolerated by in silico analysis. Since supporting evidence is limited at this time, the clinical significance of this alteration remains unclear.

NM_052947.4(ALPK2):c.6507A>T (p.Lys2169Asn)

Gene: ALPK2 (alpha kinase 2; minus strand). Cytogenetic location: 18q21.31.
Variant type: single nucleotide variant.
Coding change: c.6507A>T on transcript NM_052947.4 (MANE Select); coding-DNA position 6507, A replaced by T.
Protein change: p.Lys2169Asn; replaces lysine 2169 with asparagine.
Molecular consequence: missense variant.
Genome position (GRCh38, 1-based): chr18:58,481,829, T>A on the plus strand (A>T on the coding strand, the complement: ALPK2 is on the minus strand). VCF-style: chr18-58481829-T-A. GRCh37 (hg19) VCF-style: chr18-56149061-T-A.
Other names: short protein forms K2169N.
Identifiers: ClinVar variation 1753937 (VCV001753937.2), dbSNP rs1268669620, ClinGen allele CA402538085.